The following is an entry in ClinVar:

ClinVar aggregate classification (germline): Uncertain significance (1 of 4 stars; one submission).

Allele frequency attached by ClinVar (database versions not stated): gnomAD 0.00001; TOPMed 0.00001.
gnomAD v4.1: 1 of 1,614,036 alleles (0.000062%); highest among the groups gnomAD compares: Admixed American, 0.0017%; no homozygotes.

Submission:

Labcorp Genetics (formerly Invitae), Labcorp
Classification: Uncertain significance. Last evaluated: 2023-06-03. Review status: criteria provided, single submitter. Criteria: Invitae Variant Classification Sherloc (09022015). Collection method: clinical testing. Allele origin: germline.
Comment: In summary, the available evidence is currently insufficient to determine the role of this variant in disease. Therefore, it has been classified as a Variant of Uncertain Significance. Algorithms developed to predict the effect of sequence changes on RNA splicing suggest that this variant may create or strengthen a splice site. This variant has not been reported in the literature in individuals affected with RNF31-related conditions. This variant is not present in population databases (gnomAD no frequency). This sequence change affects codon 218 of the RNF31 mRNA. It is a 'silent' change, meaning that it does not change the encoded amino acid sequence of the RNF31 protein.

NM_017999.5(RNF31):c.654C>T (p.Phe218=)

Gene: RNF31 (ring finger protein 31; plus strand). Cytogenetic location: 14q12.
Variant type: single nucleotide variant.
Coding change: c.654C>T on transcript NM_017999.5 (MANE Select); coding-DNA position 654, C replaced by T.
Protein change: p.Phe218=; no amino-acid change (phenylalanine 218 retained).
Molecular consequence: synonymous variant.
Genome position (GRCh38, 1-based): chr14:24,149,428, C>T. VCF-style: chr14-24149428-C-T. GRCh37 (hg19) VCF-style: chr14-24618637-C-T.
Other names: c.201C>T, p.Phe67= (NM_001310332.2).
Identifiers: ClinVar variation 2958519 (VCV002958519.3), dbSNP rs1002753537, ClinGen allele CA257872282.
Genomic context (GRCh38, chr14:24,149,428, plus strand): 5'-CTTTTTTGGAAAGATGTTCCATCTCTCCTGCCCTCCAGGCTCCACTCCTGGTCCCTGCTT[C>T]CTCTGTGGTTCTGCCCCAGGCACACTGCACTGCCCATCCTGTAAACAGGCCCTGTGTCCA-3'
Protein context (NP_060469.4, residues 208-228): SVPGSTPGPC[Phe218=]LCGSAPGTLH